The following is an entry in ClinVar:

NM_002730.4(PRKACA):c.323A>C (p.Glu108Ala)

Gene: PRKACA (protein kinase cAMP-activated catalytic subunit alpha; minus strand). Cytogenetic location: 19p13.12.
Variant type: single nucleotide variant.
Coding change: c.323A>C on transcript NM_002730.4 (MANE Select); coding-DNA position 323, A replaced by C.
Protein change: p.Glu108Ala; replaces glutamic acid 108 with alanine.
Molecular consequence: missense variant.
Genome position (GRCh38, 1-based): chr19:14,102,829, T>G on the plus strand (A>C on the coding strand, the complement: PRKACA is on the minus strand). VCF-style: chr19-14102829-T-G. GRCh37 (hg19) VCF-style: chr19-14213641-T-G.
Other names: c.551A>C, p.Glu184Ala (NM_001304349.2); c.299A>C, p.Glu100Ala (NM_207518.3); short protein forms E100A, E108A, E184A.
Identifiers: ClinVar variation 3237396 (VCV003237396.1), dbSNP rs1977484293.
Genomic context (GRCh38, chr19:14,102,829, plus strand): 5'-TGGGACCCAATGCAGTGACCCCCCGCCCTTGGCCACTGGGACCCCACCTTGAAGGAGAAC[T>G]CGAGTTTGACGAGGAACGGAAAGTTGACAGCTTGCAGGATGCGCTTTTCATTCAGGGTGT-3'
Protein context (NP_002721.1, residues 98-118): AVNFPFLVKL[Glu108Ala]FSFKDNSNLY

ClinVar aggregate classification (germline): Uncertain significance (1 of 4 stars; one submission).

Conditions:
Cardioacrofacial dysplasia 1. Identifiers: MedGen C5436885, MONDO:0030876, OMIM 619142.

Allele frequency attached by ClinVar (database versions not stated): gnomAD 0.00001; TOPMed 0.00003.
gnomAD v4.1: 2 of 1,613,806 alleles (0.00012%); highest among the groups gnomAD compares: African/African-American, 0.0027%; no homozygotes.

Submission:

Clinical Genomics Laboratory, Washington University in St. Louis
Classification: Uncertain significance for Cardioacrofacial dysplasia 1. Last evaluated: 2023-12-01. Review status: criteria provided, single submitter. Criteria: ACMG Guidelines, 2015. Collection method: clinical testing. Allele origin: germline.
Comment: The PRKACA c.323A>C (p.Glu108Ala) variant was identified at a near heterozygous allelic fraction of 48%, a frequency which may be consistent with it being of germline origin. This variant, to our knowledge, has not been reported in the medical literature. The variant is only observed on 2/152,096 alleles in the general population (gnomAD v4.0.0), indicating it is not a common variant. Computational predictors are uncertain/conflicting as to the impact of this variant on PRKACA function. Due to limited information, and based on ACMG/AMP guidelines for variant interpretation (Richards S et al., PMID: 25741868), the clinical significance of this variant is uncertain at this time.